The following is an entry in ClinVar:

NM_024675.4(PALB2):c.2732C>A (p.Thr911Asn)

Gene: PALB2 (partner and localizer of BRCA2; minus strand). Cytogenetic location: 16p12.2.
Variant type: single nucleotide variant.
Coding change: c.2732C>A on transcript NM_024675.4 (MANE Select); coding-DNA position 2732, C replaced by A.
Protein change: p.Thr911Asn; replaces threonine 911 with asparagine.
Molecular consequence: missense variant.
Genome position (GRCh38, 1-based): chr16:23,626,252, G>T on the plus strand (C>A on the coding strand, the complement: PALB2 is on the minus strand). VCF-style: chr16-23626252-G-T. GRCh37 (hg19) VCF-style: chr16-23637573-G-T.
Other names: short protein forms T911N.
Identifiers: ClinVar variation 482014 (VCV000482014.23), dbSNP rs180177123, ClinGen allele CA395121849.

ClinVar aggregate classification (germline): Conflicting classifications of pathogenicity. Review status: criteria provided, conflicting classifications (1 of 4 stars). 7 submissions from 7 submitters: Uncertain significance (6); Likely benign (1). Last evaluated 2026-07-21.

Conditions:
Familial cancer of breast. Also called: Hereditary breast cancer; BREAST CANCER, FAMILIAL; hereditary breast carcinoma. Identifiers: Orphanet 227535, MedGen C0346153, MONDO:0016419, OMIM 114480. Disease mechanism: loss of function.
Hereditary cancer-predisposing syndrome. Also called: Tumor predisposition; Neoplastic Syndromes, Hereditary; Hereditary Cancer Syndrome; Hereditary neoplastic syndrome. Identifiers: Orphanet 140162, MedGen C0027672, MeSH D009386, MONDO:0015356.

Allele frequency attached by ClinVar (database versions not stated): gnomAD 0.00001.
gnomAD v4.1: 3 of 1,613,998 alleles (0.00019%); highest among the groups gnomAD compares: African/African-American, 0.004%; no homozygotes.

Submissions (7):

Myriad Genetics, Inc.
Classification: Likely benign for Familial cancer of breast. Last evaluated: 2026-07-21. Review status: criteria provided, single submitter. Criteria: Myriad Autosomal Dominant, Autosomal Recessive and X-Linked Classification Criteria (2023). Collection method: clinical testing. Allele origin: unknown.
Comment: This variant is considered likely benign. This variant is strongly associated with less severe personal and family histories of cancer, typical for individuals without pathogenic variants in this gene [PMID: 25085752].

Labcorp Genetics (formerly Invitae), Labcorp
Classification: Uncertain significance for Familial cancer of breast. Last evaluated: 2025-11-05. Review status: criteria provided, single submitter. Criteria: Invitae Variant Classification Sherloc (09022015). Collection method: clinical testing. Allele origin: germline.
Comment: This sequence change replaces threonine, which is neutral and polar, with asparagine, which is neutral and polar, at codon 911 of the PALB2 protein (p.Thr911Asn). This variant is not present in population databases (gnomAD no frequency). This variant has not been reported in the literature in individuals affected with PALB2-related conditions. ClinVar contains an entry for this variant (Variation ID: 482014). Invitae Evidence Modeling of protein sequence and biophysical properties (such as structural, functional, and spatial information, amino acid conservation, physicochemical variation, residue mobility, and thermodynamic stability) indicates that this missense variant is not expected to disrupt PALB2 protein function with a negative predictive value of 80%. In summary, the available evidence is currently insufficient to determine the role of this variant in disease. Therefore, it has been classified as a Variant of Uncertain Significance.

Ambry Genetics
Classification: Uncertain significance for Hereditary cancer-predisposing syndrome. Last evaluated: 2024-02-20. Review status: criteria provided, single submitter. Criteria: Ambry Variant Classification Scheme 2023. Collection method: clinical testing. Allele origin: germline.
Comment: The p.T911N variant (also known as c.2732C>A), located in coding exon 7 of the PALB2 gene, results from a C to A substitution at nucleotide position 2732. The threonine at codon 911 is replaced by asparagine, an amino acid with similar properties. This amino acid position is not well conserved in available vertebrate species. In addition, this alteration is predicted to be tolerated by in silico analysis. Since supporting evidence is limited at this time, the clinical significance of this alteration remains unclear.

Baylor Genetics
Classification: Uncertain significance for Familial cancer of breast. Last evaluated: 2023-09-30. Review status: criteria provided, single submitter. Criteria: ACMG Guidelines, 2015. Collection method: clinical testing. Allele origin: unknown.

Quest Diagnostics Nichols Institute San Juan Capistrano
Classification: Uncertain significance. Last evaluated: 2022-10-03. Review status: criteria provided, single submitter. Criteria: Quest Diagnostics criteria. Collection method: clinical testing. Allele origin: unknown.
Comment: The variant has not been reported in the published literature. It also has not been reported in large, multi-ethnic general populations. Analysis of this variant using bioinformatics tools for the prediction of the effect of amino acid changes on protein structure and function yielded conflicting predictions that this variant is benign or damaging. Based on the available information, we are unable to determine the clinical significance of this variant.

Color Diagnostics, LLC DBA Color Health
Classification: Uncertain significance for Hereditary cancer-predisposing syndrome. Last evaluated: 2022-02-28. Review status: criteria provided, single submitter. Criteria: ACMG Guidelines, 2015. Collection method: clinical testing. Allele origin: germline.
Comment: This missense variant replaces threonine with asparagine at codon 911 of the PALB2 protein. Computational prediction suggests that this variant may not impact protein structure and function (internally defined REVEL score threshold <= 0.5, PMID: 27666373). To our knowledge, functional studies have not been reported for this variant. This variant has not been reported in individuals affected with hereditary cancer in the literature. This variant has not been identified in the general population by the Genome Aggregation Database (gnomAD). The available evidence is insufficient to determine the role of this variant in disease conclusively. Therefore, this variant is classified as a Variant of Uncertain Significance.

Women's Health and Genetics/Laboratory Corporation of America, LabCorp
Classification: Uncertain significance. Last evaluated: 2022-02-14. Review status: criteria provided, single submitter. Criteria: LabCorp Variant Classification Summary - May 2015. Collection method: clinical testing. Allele origin: germline.

Literature cited by the submitters: PubMed 25085752 (cited by Myriad Genetics, Inc.).